The following is an entry in ClinVar:

ClinVar aggregate classification (germline): Uncertain significance. Review status: criteria provided, multiple submitters, no conflicts (2 of 4 stars). 5 submissions from 5 submitters: Uncertain significance (4). 1 of the submissions does not count toward it. Last evaluated 2026-02-11.

Conditions:
EPCAM-related disorder. Also called: EPCAM-related condition.
Congenital diarrhea 5 with tufting enteropathy. Also called: Congenital tufting enteropathy; INTESTINAL EPITHELIAL CELL DYSPLASIA. Identifiers: Orphanet 92050, MedGen C2750737, MONDO:0013184, OMIM 613217.
Lynch syndrome 8 (LYNCH8). Also called: Colorectal cancer, hereditary nonpolyposis, type 8. Identifiers: Orphanet 144, MedGen C2750471, MONDO:0013196, OMIM 613244.

Allele frequency attached by ClinVar (database versions not stated): gnomAD 0.00005; gnomAD exomes 0.00006; ExAC 0.00005; TOPMed 0.00009.
gnomAD v4.1: 105 of 1,613,822 alleles (0.0065%); highest among the groups gnomAD compares: East Asian, 0.053%; 1 homozygote.

Submissions (5):

St. Jude Molecular Pathology, St. Jude Children's Research Hospital
Classification: Uncertain significance for Lynch syndrome 8. Last evaluated: 2026-02-11. Review status: criteria provided, single submitter. Criteria: St. Jude Assertion Criteria 2020. Collection method: clinical testing. Allele origin: germline.
Comment: The EPCAM c.232C>G p.(Leu78Val) missense variant has a maximum subpopulation frequency of 0.055% in gnomAD v2.1.1. The in silico tool REVEL predicts a benign effect on protein function, but to our knowledge this prediction has not been confirmed by functional studies. This variant was reported in at least one individual with familial colorectal cancer (PMID: 29212164) and in an individual with peritoneum cancer and a family history of cancer (PMID: 30093976). In summary, the evidence currently available is insufficient to determine the clinical significance of this variant. It has therefore been classified as of uncertain significance.

Fulgent Genetics
Classification: Uncertain significance for Congenital diarrhea 5 with tufting enteropathy; Lynch syndrome 8. Last evaluated: 2022-02-03. Review status: criteria provided, single submitter. Criteria: ACMG Guidelines, 2015. Collection method: clinical testing. Allele origin: unknown.

Department of Pathology and Laboratory Medicine, Sinai Health System
Classification: Uncertain significance for Congenital diarrhea 5 with tufting enteropathy; Lynch syndrome 8. Last evaluated: 2021-07-30. Review status: criteria provided, single submitter. Criteria: ACMG Guidelines, 2015. Collection method: research. Allele origin: germline.

Labcorp Genetics (formerly Invitae), Labcorp
Classification: Uncertain significance. Last evaluated: 2019-12-19. Review status: criteria provided, single submitter. Criteria: Invitae Variant Classification Sherloc (09022015). Collection method: clinical testing. Allele origin: germline.
Comment: In summary, the available evidence is currently insufficient to determine the role of this variant in disease. Therefore, it has been classified as a Variant of Uncertain Significance. Algorithms developed to predict the effect of missense changes on protein structure and function (SIFT, PolyPhen-2, Align-GVGD) all suggest that this variant is likely to be tolerated, but these predictions have not been confirmed by published functional studies and their clinical significance is uncertain. This variant has not been reported in the literature in individuals with EPCAM-related disease. ClinVar contains an entry for this variant (Variation ID: 136018). This variant is present in population databases (rs587780763, ExAC 0.06%). This sequence change replaces leucine with valine at codon 78 of the EPCAM protein (p.Leu78Val). The leucine residue is weakly conserved and there is a small physicochemical difference between leucine and valine.

PreventionGenetics, part of Exact Sciences
Classification: Uncertain significance for EPCAM-related condition. Last evaluated: 2024-06-11. Review status: no assertion criteria provided. Collection method: clinical testing. Allele origin: germline. Not counted in ClinVar's aggregate classification.
Comment: The EPCAM c.232C>G variant is predicted to result in the amino acid substitution p.Leu78Val. This variant was reported as a variant of uncertain significance in an individual with peritoneal cancer and a family history of cancer (Supp. Table 2 in Chan et al. 2018. PubMed ID: 30093976). This variant was also reported in a cohort study of individuals with colorectal cancer (Supp. Table 1 Raskin. 2017. PubMed ID: 29212164) and in a patient with breast cancer and family history of ovarian cancer (Supp. Table 4 in Bhai P et al 2021. PubMed ID: 34326862). This variant is reported in 0.055% of alleles in individuals of East Asian descent in gnomAD and is interpreted as uncertain significance in ClinVar. At this time, the clinical significance of this variant is uncertain due to the absence of conclusive functional and genetic evidence.

NM_002354.3(EPCAM):c.232C>G (p.Leu78Val)

Gene: EPCAM (epithelial cell adhesion molecule; plus strand). Cytogenetic location: 2p21.
Variant type: single nucleotide variant.
Coding change: c.232C>G on transcript NM_002354.3 (MANE Select); coding-DNA position 232, C replaced by G.
Protein change: p.Leu78Val; replaces leucine 78 with valine.
Molecular consequence: missense variant.
Genome position (GRCh38, 1-based): chr2:47,373,855, C>G. VCF-style: chr2-47373855-C-G. GRCh37 (hg19) VCF-style: chr2-47600994-C-G.
Other names: short protein forms L78V.
Identifiers: ClinVar variation 136018 (VCV000136018.22), dbSNP rs587780763, ClinGen allele CA332764.